The following is an entry in ClinVar:

NM_001042492.3(NF1):c.4754A>G (p.Lys1585Arg)

Gene: NF1 (neurofibromin 1; plus strand). Cytogenetic location: 17q11.2.
Variant type: single nucleotide variant.
Coding change: c.4754A>G on transcript NM_001042492.3 (MANE Select); coding-DNA position 4754, A replaced by G.
Protein change: p.Lys1585Arg; replaces lysine 1585 with arginine.
Molecular consequence: missense variant.
Genome position (GRCh38, 1-based): chr17:31,265,258, A>G. VCF-style: chr17-31265258-A-G. GRCh37 (hg19) VCF-style: chr17-29592276-A-G.
Other names: c.4691A>G, p.Lys1564Arg (NM_000267.4); short protein forms K1564R, K1585R.
Identifiers: ClinVar variation 2854937 (VCV002854937.4), dbSNP rs2508445048, ClinGen allele CA399001217.

ClinVar aggregate classification (germline): Uncertain significance. Review status: criteria provided, multiple submitters, no conflicts (2 of 4 stars). 2 submissions from 2 submitters: Uncertain significance (2). Last evaluated 2024-11-01.

Conditions:
Cardiovascular phenotype. Identifiers: MedGen CN230736.
Hereditary cancer-predisposing syndrome. Also called: Hereditary Cancer Syndrome; Hereditary neoplastic syndrome; Neoplastic Syndromes, Hereditary; Tumor predisposition. Identifiers: Orphanet 140162, MedGen C0027672, MeSH D009386, MONDO:0015356.
Neurofibromatosis, type 1 (NF1). Also called: VON RECKLINGHAUSEN DISEASE; Neurofibromatosis, type I; Peripheral type neurofibromatosis; NEUROFIBROMATOSIS, TYPE I, SOMATIC. Identifiers: Orphanet 636, MedGen C0027831, MONDO:0018975, OMIM 162200. Disease mechanism: loss of function.

Allele frequency attached by ClinVar (database versions not stated): gnomAD exomes below 0.00001.
gnomAD v4.1: 2 of 1,613,310 alleles (0.00012%); highest among the groups gnomAD compares: Non-Finnish European, 0.00017%; no homozygotes.

Submissions (2):

Ambry Genetics
Classification: Uncertain significance for Cardiovascular phenotype; Hereditary cancer-predisposing syndrome. Last evaluated: 2024-11-01. Review status: criteria provided, single submitter. Criteria: Ambry Variant Classification Scheme 2023. Collection method: clinical testing. Allele origin: germline.
Comment: The p.K1564R variant (also known as c.4691A>G), located in coding exon 35 of the NF1 gene, results from an A to G substitution at nucleotide position 4691. The lysine at codon 1564 is replaced by arginine, an amino acid with highly similar properties. This amino acid position is conserved. In addition, the in silico prediction for this alteration is inconclusive. Based on the available evidence, the clinical significance of this variant remains unclear.

Labcorp Genetics (formerly Invitae), Labcorp
Classification: Uncertain significance for Neurofibromatosis, type 1. Last evaluated: 2023-04-11. Review status: criteria provided, single submitter. Criteria: Invitae Variant Classification Sherloc (09022015). Collection method: clinical testing. Allele origin: germline.
Comment: In summary, the available evidence is currently insufficient to determine the role of this variant in disease. Therefore, it has been classified as a Variant of Uncertain Significance. Advanced modeling of protein sequence and biophysical properties (such as structural, functional, and spatial information, amino acid conservation, physicochemical variation, residue mobility, and thermodynamic stability) performed at Invitae indicates that this missense variant is expected to disrupt NF1 protein function. This variant has not been reported in the literature in individuals affected with NF1-related conditions. This variant is not present in population databases (gnomAD no frequency). This sequence change replaces lysine, which is basic and polar, with arginine, which is basic and polar, at codon 1564 of the NF1 protein (p.Lys1564Arg).